The following is an entry in ClinVar:

ClinVar aggregate classification (germline): Uncertain significance. Review status: criteria provided, multiple submitters, no conflicts (2 of 4 stars). 3 submissions from 3 submitters: Uncertain significance (3). Last evaluated 2026-04-12.

Conditions:
Autosomal recessive limb-girdle muscular dystrophy type 2Q (LGMDR17). Also called: MUSCULAR DYSTROPHY, LIMB-GIRDLE, AUTOSOMAL RECESSIVE 17. Identifiers: Orphanet 254361, MedGen C3150989, MONDO:0013390, OMIM 613723.
Epidermolysis bullosa simplex, Ogna type (EBS5A). Also called: Pidermolysis bullosa simplex 5A, Ogna type; EPIDERMOLYSIS BULLOSA SIMPLEX 5A, OGNA TYPE. Identifiers: Orphanet 79401, MedGen C0432317, MONDO:0007555, OMIM 131950.
Epidermolysis bullosa simplex 5B, with muscular dystrophy (EBS5B). Also called: Epidermolysis bullosa simplex with muscular dystrophy; EPIDERMOLYSIS BULLOSA SIMPLEX AND LIMB-GIRDLE MUSCULAR DYSTROPHY. Identifiers: Orphanet 257, MedGen C2931072, MONDO:0009181, OMIM 226670.
Epidermolysis bullosa simplex with nail dystrophy (EBS5D). Identifiers: MedGen C4225309, MONDO:0014661, OMIM 616487.
Epidermolysis bullosa simplex 5C, with pyloric atresia (EBS5C). Also called: PLEC1-Related Epidermolysis Bullosa with Pyloric Atresia; PLEC-Related Epidermolysis Bullosa with Pyloric Atresia; Epidermolysis bullosa simplex with pyloric atresia. Identifiers: Orphanet 158684, MedGen C2677349, MONDO:0012807, OMIM 612138.
Inborn genetic diseases. Identifiers: MedGen C0950123, MeSH D030342.
PLEC-related disorder. Also called: PLEC-related disorders; PLEC-related condition.

Allele frequency attached by ClinVar (database versions not stated): TOPMed 0.00007.
gnomAD v4.1: 69 of 1,591,524 alleles (0.0043%); highest among the groups gnomAD compares: Admixed American, 0.081%; no homozygotes.

Submissions (3):

PreventionGenetics, part of Exact Sciences
Classification: Uncertain significance for PLEC-related condition. Last evaluated: 2026-04-12. Review status: criteria provided, single submitter. Criteria: ACMG Guidelines, 2015. Collection method: clinical testing. Allele origin: germline.
Comment: The PLEC c.9613G>A variant is predicted to result in the amino acid substitution p.Ala3205Thr. To our knowledge, this variant has not been reported in the literature. This variant is reported in 0.13% of alleles in individuals of Latino descent in gnomAD. Although we suspect that this variant may be benign, at this time, the clinical significance of this variant is uncertain due to the absence of conclusive functional and genetic evidence.

Labcorp Genetics (formerly Invitae), Labcorp
Classification: Uncertain significance for Autosomal recessive limb-girdle muscular dystrophy type 2Q; Epidermolysis bullosa simplex, Ogna type; Epidermolysis bullosa simplex with nail dystrophy; Epidermolysis bullosa simplex 5C, with pyloric atresia; Epidermolysis bullosa simplex 5B, with muscular dystrophy. Last evaluated: 2026-01-08. Review status: criteria provided, single submitter. Criteria: Invitae Variant Classification Sherloc (09022015). Collection method: clinical testing. Allele origin: germline.
Comment: This sequence change replaces alanine, which is neutral and non-polar, with threonine, which is neutral and polar, at codon 3205 of the PLEC protein (p.Ala3205Thr). This variant is present in population databases (rs781938939, gnomAD 0.1%). This variant has not been reported in the literature in individuals affected with PLEC-related conditions. ClinVar contains an entry for this variant (Variation ID: 939733). An algorithm developed to predict the effect of missense changes on protein structure and function outputs the following: PolyPhen-2: "Benign". The threonine amino acid residue is found in multiple mammalian species, which suggests that this missense change does not adversely affect protein function. In summary, the available evidence is currently insufficient to determine the role of this variant in disease. Therefore, it has been classified as a Variant of Uncertain Significance.

Ambry Genetics
Classification: Uncertain significance for Inborn genetic diseases. Last evaluated: 2021-10-22. Review status: criteria provided, single submitter. Criteria: Ambry Variant Classification Scheme 2023. Collection method: clinical testing. Allele origin: germline.

NM_201384.3(PLEC):c.9532G>A (p.Ala3178Thr)

Gene: PLEC (plectin; minus strand). Cytogenetic location: 8q24.3.
Variant type: single nucleotide variant.
Coding change: c.9532G>A on transcript NM_201384.3 (MANE Select); coding-DNA position 9532, G replaced by A.
Protein change: p.Ala3178Thr; replaces alanine 3178 with threonine.
Molecular consequence: missense variant.
Genome position (GRCh38, 1-based): chr8:143,920,289, C>T on the plus strand (G>A on the coding strand, the complement: PLEC is on the minus strand). VCF-style: chr8-143920289-C-T. GRCh37 (hg19) VCF-style: chr8-144994457-C-T.
Other names: c.9613G>A, p.Ala3205Thr (NM_000445.5); c.9490G>A, p.Ala3164Thr (NM_201378.4); c.9466G>A, p.Ala3156Thr (NM_201379.3); c.9943G>A, p.Ala3315Thr (NM_201380.4); c.9436G>A, p.Ala3146Thr (NM_201381.3); c.9532G>A, p.Ala3178Thr (NM_201382.4); c.9544G>A, p.Ala3182Thr (NM_201383.3); c.9613G>A (NM_000445.3); short protein forms A3146T, A3164T, A3178T, A3205T, A3315T, A3182T, A3156T.
Identifiers: ClinVar variation 939733 (VCV000939733.14), dbSNP rs781938939, ClinGen allele CA4924939.
Genomic context (GRCh38, chr8:143,920,289, plus strand): 5'-GCTGCTGGAGCTCGCCGTAGGTGGCCGGCTCCCCTGTGCTGGGGTCACTGTAGGCCTTGG[C>T]GTCGGCCCTTGGTGCCGACAGGGCCCTGCTGGTCTCCTCATCCAGGCAGCCTCGGGCGCA-3'
Protein context (NP_958786.1, residues 3168-3188): SRALSAPRAD[Ala3178Thr]KAYSDPSTGE